The following is an entry in ClinVar:

NM_000361.3(THBD):c.1202C>T (p.Pro401Leu)

Gene: THBD (thrombomodulin; minus strand). Cytogenetic location: 20p11.21.
Variant type: single nucleotide variant.
Coding change: c.1202C>T on transcript NM_000361.3 (MANE Select); coding-DNA position 1202, C replaced by T.
Protein change: p.Pro401Leu; replaces proline 401 with leucine.
Molecular consequence: missense variant.
Genome position (GRCh38, 1-based): chr20:23,048,303, G>A on the plus strand (C>T on the coding strand, the complement: THBD is on the minus strand). VCF-style: chr20-23048303-G-A. GRCh37 (hg19) VCF-style: chr20-23028940-G-A.
Other names: short protein forms P401L.
Identifiers: ClinVar variation 3647871 (VCV003647871.3).

ClinVar aggregate classification (germline): Uncertain significance. Review status: criteria provided, multiple submitters, no conflicts (2 of 4 stars). 2 submissions from 2 submitters: Uncertain significance (2). Last evaluated 2025-09-22.

Conditions:
Thrombomodulin-related bleeding disorder (THPH12). Also called: Thrombophilia due to thrombomodulin defect. Identifiers: Orphanet 436169, MedGen C3280976, MONDO:0013775, OMIM 614486.

Submissions (2):

Genomenon, Inc
Classification: Uncertain significance for Thrombomodulin-related bleeding disorder. Last evaluated: 2025-09-22. Review status: criteria provided, single submitter. Criteria: Genomenon Sequence Variant Interpretation Standards - Updated. Collection method: curation. Allele origin: germline. Affected: no.
Comment: THBD p.Pro401Leu (c.1202C>T) is a missense variant that changes the amino acid at residue 401 from Proline to Leucine. This variant has been reported in the published literature (PMID:29296762). It is absent or not present at a significant frequency in gnomAD. In conclusion, we classify THBD p.Pro401Leu (c.1202C>T) as a variant of unknown significance.

Labcorp Genetics (formerly Invitae), Labcorp
Classification: Uncertain significance. Last evaluated: 2025-06-02. Review status: criteria provided, single submitter. Criteria: Invitae Variant Classification Sherloc (09022015). Collection method: clinical testing. Allele origin: germline.
Comment: This sequence change replaces proline, which is neutral and non-polar, with leucine, which is neutral and non-polar, at codon 401 of the THBD protein (p.Pro401Leu). This variant is present in population databases (rs763048427, gnomAD 0.006%). This missense change has been observed in individual(s) with venous thromboembolism (PMID: 29296762). ClinVar contains an entry for this variant (Variation ID: 3647871). Invitae Evidence Modeling of protein sequence and biophysical properties (such as structural, functional, and spatial information, amino acid conservation, physicochemical variation, residue mobility, and thermodynamic stability) indicates that this missense variant is expected to disrupt THBD protein function with a positive predictive value of 80%. In summary, the available evidence is currently insufficient to determine the role of this variant in disease. Therefore, it has been classified as a Variant of Uncertain Significance.

Literature cited by the submitters: PubMed 29296762 (cited by Genomenon, Inc and Labcorp Genetics (formerly Invitae), Labcorp).